The following is an entry in ClinVar:

ClinVar aggregate classification (germline): Uncertain significance (1 of 4 stars; one submission).

Conditions:
Chédiak-Higashi syndrome (CHS). Also called: Chediak-Higashi Syndrome. Identifiers: Orphanet 167, MedGen C0007965, MONDO:0008963, OMIM 214500.

Allele frequency attached by ClinVar (database versions not stated): TOPMed 0.00001; gnomAD 0.00002.
gnomAD v4.1: 26 of 1,613,514 alleles (0.0016%); highest among the groups gnomAD compares: Non-Finnish European, 0.0022%; no homozygotes.

Submission:

Labcorp Genetics (formerly Invitae), Labcorp
Classification: Uncertain significance for Chédiak-Higashi syndrome. Last evaluated: 2022-08-12. Review status: criteria provided, single submitter. Criteria: Invitae Variant Classification Sherloc (09022015). Collection method: clinical testing. Allele origin: germline.
Comment: This sequence change replaces asparagine, which is neutral and polar, with threonine, which is neutral and polar, at codon 2819 of the LYST protein (p.Asn2819Thr). This variant is present in population databases (no rsID available, gnomAD 0.002%). This variant has not been reported in the literature in individuals affected with LYST-related conditions. Algorithms developed to predict the effect of missense changes on protein structure and function (SIFT, PolyPhen-2, Align-GVGD) all suggest that this variant is likely to be tolerated. In summary, the available evidence is currently insufficient to determine the role of this variant in disease. Therefore, it has been classified as a Variant of Uncertain Significance.

NM_000081.4(LYST):c.8456A>C (p.Asn2819Thr)

Gene: LYST (lysosomal trafficking regulator; minus strand). Cytogenetic location: 1q42.3.
Variant type: single nucleotide variant.
Coding change: c.8456A>C on transcript NM_000081.4 (MANE Select); coding-DNA position 8456, A replaced by C.
Protein change: p.Asn2819Thr; replaces asparagine 2819 with threonine.
Molecular consequence: missense variant.
Genome position (GRCh38, 1-based): chr1:235,734,562, T>G on the plus strand (A>C on the coding strand, the complement: LYST is on the minus strand). VCF-style: chr1-235734562-T-G. GRCh37 (hg19) VCF-style: chr1-235897862-T-G.
Other names: c.8456A>C, p.Asn2819Thr (NM_001301365.1); short protein forms N2819T.
Identifiers: ClinVar variation 1945178 (VCV001945178.2), dbSNP rs1205577485, ClinGen allele CA344920969.